The following is an entry in ClinVar:

ClinVar aggregate classification (germline): Uncertain significance. Review status: criteria provided, multiple submitters, no conflicts (2 of 4 stars). 2 submissions from 2 submitters: Uncertain significance (2). Last evaluated 2023-09-01.

Conditions:
Developmental and epileptic encephalopathy, 32 (DEE32). Also called: Epileptic encephalopathy, early infantile, 32. Identifiers: Orphanet 442835, MedGen C4225350, MONDO:0014607, OMIM 616366.

Submissions (2):

GeneDx
Classification: Uncertain significance. Last evaluated: 2023-09-01. Review status: criteria provided, single submitter. Criteria: GeneDx Variant Classification Process June 2021. Collection method: clinical testing. Allele origin: germline. Affected: yes.
Comment: Not observed at significant frequency in large population cohorts (gnomAD); In silico analysis supports that this missense variant has a deleterious effect on protein structure/function; Has not been previously published as pathogenic or benign to our knowledge

Labcorp Genetics (formerly Invitae), Labcorp
Classification: Uncertain significance for Developmental and epileptic encephalopathy, 32. Last evaluated: 2022-06-02. Review status: criteria provided, single submitter. Criteria: Invitae Variant Classification Sherloc (09022015). Collection method: clinical testing. Allele origin: germline.
Comment: In summary, the available evidence is currently insufficient to determine the role of this variant in disease. Therefore, it has been classified as a Variant of Uncertain Significance. Advanced modeling of protein sequence and biophysical properties (such as structural, functional, and spatial information, amino acid conservation, physicochemical variation, residue mobility, and thermodynamic stability) performed at Invitae indicates that this missense variant is expected to disrupt KCNA2 protein function. This variant has not been reported in the literature in individuals affected with KCNA2-related conditions. This variant is not present in population databases (gnomAD no frequency). This sequence change replaces alanine, which is neutral and non-polar, with proline, which is neutral and non-polar, at codon 243 of the KCNA2 protein (p.Ala243Pro).

NM_004974.4(KCNA2):c.727G>C (p.Ala243Pro)

Gene: KCNA2 (potassium voltage-gated channel subfamily A member 2; minus strand). Cytogenetic location: 1p13.3.
Variant type: single nucleotide variant.
Coding change: c.727G>C on transcript NM_004974.4 (MANE Select); coding-DNA position 727, G replaced by C.
Protein change: p.Ala243Pro; replaces alanine 243 with proline.
Molecular consequence: missense variant.
Genome position (GRCh38, 1-based): chr1:110,604,056, C>G on the plus strand (G>C on the coding strand, the complement: KCNA2 is on the minus strand). VCF-style: chr1-110604056-C-G. GRCh37 (hg19) VCF-style: chr1-111146678-C-G.
Other names: c.727G>C (NM_004974.3); c.727G>C, p.Ala243Pro (NM_001204269.2); short protein forms A243P.
Identifiers: ClinVar variation 2002037 (VCV002002037.7), dbSNP rs2524619332, ClinGen allele CA341603337.